The following is an entry in ClinVar:

NM_020822.3(KCNT1):c.1718G>A (p.Arg573His)

Gene: KCNT1 (potassium sodium-activated channel subfamily T member 1; plus strand). Cytogenetic location: 9q34.3.
Variant type: single nucleotide variant.
Coding change: c.1718G>A on transcript NM_020822.3 (MANE Select); coding-DNA position 1718, G replaced by A.
Protein change: p.Arg573His; replaces arginine 573 with histidine.
Molecular consequence: missense variant.
Genome position (GRCh38, 1-based): chr9:135,770,396, G>A. VCF-style: chr9-135770396-G-A. GRCh37 (hg19) VCF-style: chr9-138662242-G-A.
Other names: c.1583G>A, p.Arg528His (NM_001272003.2); short protein forms R573H, R528H.
Identifiers: ClinVar variation 418274 (VCV000418274.56), dbSNP rs575162600, ClinGen allele CA5327040.

ClinVar aggregate classification (germline): Conflicting classifications of pathogenicity. Review status: criteria provided, conflicting classifications (1 of 4 stars). 6 submissions from 6 submitters: Uncertain significance (3); Likely benign (3). Last evaluated 2025-12-10.

Conditions:
Inborn genetic diseases. Identifiers: MedGen C0950123, MeSH D030342.
Developmental and epileptic encephalopathy, 14 (DEE14). Also called: Early infantile epileptic encephalopathy 14. Identifiers: Orphanet 293181, MedGen C3554195, MONDO:0013989, OMIM 614959.
Autosomal dominant nocturnal frontal lobe epilepsy 5. Also called: CILIARY DYSKINESIA, PRIMARY, 28, WITH SITUS INVERSUS; Epilepsy, nocturnal frontal lobe, 5; CILIARY DYSKINESIA, PRIMARY, 28, WITHOUT SITUS INVERSUS; KCNT1-Related Epilepsy. Identifiers: Orphanet 98784, MedGen C3554306, MONDO:0014002, OMIM 615005.

Allele frequency attached by ClinVar (database versions not stated): gnomAD exomes 0.00004 and 0.00009; gnomAD 0.00007 and 0.00008; ExAC 0.00009; TOPMed 0.00012; 1000 Genomes Project 30x 0.00016; 1000 Genomes Project 0.00020.
gnomAD v4.1: 71 of 1,613,246 alleles (0.0044%); highest among the groups gnomAD compares: Admixed American, 0.025%; no homozygotes.

Submissions (6):

Labcorp Genetics (formerly Invitae), Labcorp
Classification: Uncertain significance for Autosomal dominant nocturnal frontal lobe epilepsy 5; Developmental and epileptic encephalopathy, 14. Last evaluated: 2025-12-10. Review status: criteria provided, single submitter. Criteria: Invitae Variant Classification Sherloc (09022015). Collection method: clinical testing. Allele origin: germline.
Comment: This sequence change replaces arginine, which is basic and polar, with histidine, which is basic and polar, at codon 573 of the KCNT1 protein (p.Arg573His). This variant is present in population databases (rs575162600, gnomAD 0.02%), and has an allele count higher than expected for a pathogenic variant. This variant has not been reported in the literature in individuals affected with KCNT1-related conditions. ClinVar contains an entry for this variant (Variation ID: 418274). Invitae Evidence Modeling of protein sequence and biophysical properties (such as structural, functional, and spatial information, amino acid conservation, physicochemical variation, residue mobility, and thermodynamic stability) indicates that this missense variant is not expected to disrupt KCNT1 protein function with a negative predictive value of 80%. In summary, the available evidence is currently insufficient to determine the role of this variant in disease. Therefore, it has been classified as a Variant of Uncertain Significance.

New York Genome Center
Classification: Uncertain significance for Autosomal dominant nocturnal frontal lobe epilepsy 5. Last evaluated: 2020-10-23. Review status: criteria provided, single submitter. Criteria: NYGC Assertion Criteria 2020. Collection method: clinical testing. Allele origin: inherited. Observed: 1 heterozygote. Study: CSER-NYCKidSeq.

Revvity Omics, Revvity
Classification: Uncertain significance. Last evaluated: 2019-08-22. Review status: criteria provided, single submitter. Criteria: ACMG Guidelines, 2015. Collection method: clinical testing. Allele origin: germline.

Ambry Genetics
Classification: Likely benign for Inborn genetic diseases. Last evaluated: 2018-08-10. Review status: criteria provided, single submitter. Criteria: Ambry Variant Classification Scheme 2023. Collection method: clinical testing. Allele origin: germline.

GeneDx
Classification: Likely benign. Last evaluated: 2018-06-20. Review status: criteria provided, single submitter. Criteria: GeneDx Variant Classification Process June 2021. Collection method: clinical testing. Allele origin: germline. Affected: yes.

CeGaT Center for Human Genetics Tuebingen
Classification: Likely benign. Last evaluated: 2018-06-01. Review status: criteria provided, single submitter. Criteria: CeGaT Center For Human Genetics Tuebingen Variant Classification Criteria Version 2. Collection method: clinical testing. Allele origin: germline. Affected: yes. Observed: 1 variant allele.